The following is an entry in ClinVar:

NM_001323289.2(CDKL5):c.1011_1012dup (p.His338fs)

Gene: CDKL5 (cyclin dependent kinase like 5; plus strand). Cytogenetic location: Xp22.13.
Variant type: Microsatellite.
Coding change: c.1011_1012dup on transcript NM_001323289.2 (MANE Select); coding-DNA positions 1011 to 1012, 2 bases duplicated (TC; older notation c.1011_1012dupTC).
Protein change: p.His338fs; shifts the reading frame from histidine 338.
Molecular consequence: frameshift variant.
Genome position (GRCh38, 1-based): chrX:18,603,935-18,603,936, TC duplicated; duplicating any 2 consecutive bases within chrX:18,603,933-18,603,936 gives the same sequence; the c. name uses the placement nearest the transcript's 3' end. VCF-style (leftmost placement, unchanged base first): chrX-18603932-G-GTC. GRCh37 (hg19) VCF-style: chrX-18622052-G-GTC.
Other names: c.1011_1012dup, p.His338fs (NM_001037343.2, NM_003159.3); short protein forms H338fs.
Identifiers: ClinVar variation 4292599 (VCV004292599.1).

ClinVar aggregate classification (germline): Likely pathogenic (1 of 4 stars; one submission).

Conditions:
Developmental and epileptic encephalopathy, 2 (DEE2). Also called: INFANTILE SPASM SYNDROME, X-LINKED 2; CDKL5 deficiency disorder. Identifiers: Orphanet 1934, Orphanet 3451, Orphanet 505652, MedGen C4750718, MONDO:0010396, OMIM 300672.

Submission:

3billion
Classification: Likely pathogenic for Developmental and epileptic encephalopathy, 2. Last evaluated: 2024-08-22. Review status: criteria provided, single submitter. Criteria: ACMG Guidelines, 2015. Collection method: clinical testing. Allele origin: germline. Affected: yes.
Comment: The variant is not observed in the gnomAD v4.0.0 dataset. Predicted Consequence/Location: Frameshift: predicted to result in a loss or disruption of normal protein function through nonsense-mediated decay (NMD) or protein truncation. Multiple pathogenic variants are reported downstream of the variant. Therefore, this variant is classified as Likely pathogenic according to the recommendation of ACMG/AMP guideline.